The following is an entry in ClinVar:

NM_001376.5(DYNC1H1):c.7543G>A (p.Gly2515Ser)

Gene: DYNC1H1 (dynein cytoplasmic 1 heavy chain 1; plus strand). Cytogenetic location: 14q32.31.
Variant type: single nucleotide variant.
Coding change: c.7543G>A on transcript NM_001376.5 (MANE Select); coding-DNA position 7543, G replaced by A.
Protein change: p.Gly2515Ser; replaces glycine 2515 with serine.
Molecular consequence: missense variant.
Genome position (GRCh38, 1-based): chr14:102,016,418, G>A. VCF-style: chr14-102016418-G-A. GRCh37 (hg19) VCF-style: chr14-102482755-G-A.
Other names: short protein forms G2515S.
Identifiers: ClinVar variation 853118 (VCV000853118.9), dbSNP rs753894340, ClinGen allele CA391002369.

ClinVar aggregate classification (germline): Uncertain significance (1 of 4 stars; one submission).

Conditions:
Charcot-Marie-Tooth disease axonal type 2O. Also called: CHARCOT-MARIE-TOOTH NEUROPATHY, AXONAL, TYPE 2O; CHARCOT-MARIE-TOOTH DISEASE, AXONAL, AUTOSOMAL DOMINANT, TYPE 2O; Charcot-Marie-Tooth Neuropathy Type 2O; Charcot-Marie-Tooth disease, axonal, type 20. Identifiers: Orphanet 284232, MedGen C3280220, MONDO:0013644, OMIM 614228.

Allele frequency attached by ClinVar (database versions not stated): TOPMed below 0.00001.

Submission:

Labcorp Genetics (formerly Invitae), Labcorp
Classification: Uncertain significance for Charcot-Marie-Tooth disease axonal type 2O. Last evaluated: 2020-01-15. Review status: criteria provided, single submitter. Criteria: Invitae Variant Classification Sherloc (09022015). Collection method: clinical testing. Allele origin: germline.
Comment: This sequence change replaces glycine with serine at codon 2515 of the DYNC1H1 protein (p.Gly2515Ser). The glycine residue is highly conserved and there is a small physicochemical difference between glycine and serine. This variant is not present in population databases (ExAC no frequency). This variant has not been reported in the literature in individuals with DYNC1H1-related conditions. Algorithms developed to predict the effect of missense changes on protein structure and function (SIFT, PolyPhen-2, Align-GVGD) all suggest that this variant is likely to be tolerated, but these predictions have not been confirmed by published functional studies and their clinical significance is uncertain. In summary, the available evidence is currently insufficient to determine the role of this variant in disease. Therefore, it has been classified as a Variant of Uncertain Significance.